The following is an entry in ClinVar:

NM_138694.4(PKHD1):c.4882C>G (p.Pro1628Ala)

Genes: PKHD1 (PKHD1 ciliary IPT domain containing fibrocystin/polyductin; minus strand), LOC126859690 (MED14-independent group 3 enhancer GRCh37_chr6:51888848-51890047; plus strand). Cytogenetic location: 6p12.2.
Variant type: single nucleotide variant.
Coding change: c.4882C>G on transcript NM_138694.4 (MANE Select); coding-DNA position 4882, C replaced by G.
Protein change: p.Pro1628Ala; replaces proline 1628 with alanine.
Molecular consequence: missense variant.
Genome position (GRCh38, 1-based): chr6:52,024,928, G>C on the plus strand (C>G on the coding strand, the complement: PKHD1 is on the minus strand). VCF-style: chr6-52024928-G-C. GRCh37 (hg19) VCF-style: chr6-51889726-G-C.
Other names: c.4882C>G, p.Pro1628Ala (NM_170724.3); short protein forms P1628A.
Identifiers: ClinVar variation 371295 (VCV000371295.15), dbSNP rs267601070, ClinGen allele CA3852648.
Genomic context (GRCh38, chr6:52,024,928, plus strand): 5'-CTATGTGATACCAAAGTCCATCTACCTCTATTTCCAGGGCAACAGAGCCATTCCCTGTGG[G>C]AACAATGCACCGGATGAGCTCAGCACCGATGTTCACCGTCAGGCAGGTCTGCTGGTCAAT-3'
Protein context (NP_619639.3, residues 1618-1638): IGAELIRCIV[Pro1628Ala]TGNGSVALEI

ClinVar aggregate classification (germline): Pathogenic. Review status: criteria provided, multiple submitters, no conflicts (2 of 4 stars). 8 submissions from 8 submitters: Pathogenic (7). 1 of the submissions does not count toward it. Last evaluated 2025-10-02.

Conditions:
Polycystic kidney disease 4 (PKD4). Also called: POLYCYSTIC KIDNEY AND HEPATIC DISEASE 1; POLYCYSTIC KIDNEY DISEASE, INFANTILE, TYPE I; POLYCYSTIC KIDNEY DISEASE 4 WITH OR WITHOUT POLYCYSTIC LIVER DISEASE; Autosomal Recessive Polycystic Kidney Disease – PKHD1; PKD3. Identifiers: MedGen C4540575, MONDO:0033004, OMIM 263200.
Autosomal recessive polycystic kidney disease (ARPKD). Also called: AR polycystic kidney disease. Identifiers: Orphanet 731, Orphanet 8378, MedGen C0085548, MeSH D017044, MONDO:0009889.
PKHD1-related disorder. Also called: PKHD1-related condition.

Allele frequency attached by ClinVar (database versions not stated): gnomAD exomes below 0.00001; TOPMed below 0.00001; ExAC 0.00001.
gnomAD v4.1: 2 of 1,614,172 alleles (0.00012%); highest among the groups gnomAD compares: Non-Finnish European, 0.00017%; no homozygotes.

Submissions (8):

Natera, Inc.
Classification: Pathogenic for Autosomal recessive polycystic kidney disease. Last evaluated: 2025-10-02. Review status: criteria provided, single submitter. Criteria: Natera Variant Classification Schema (03/2026). Collection method: clinical testing. Allele origin: germline.
Comment: The c.4882C>G variant in PKHD1 is a missense variant predicted to cause substitution of proline to alanine at amino acid 1628. This variant is rare in the general population with a frequency below the threshold expected for the associated phenotype(s). This variant has been observed in one or more individuals affected with the associated recessive disease, as either homozygous or compound heterozygous with a second variant (PMID: 27225849). Computational prediction algorithms indicate this variant is likely to affect gene or protein function. Given the available evidence, this variant is classified as Pathogenic.

Fulgent Genetics
Classification: Pathogenic for Polycystic kidney disease 4. Last evaluated: 2024-06-09. Review status: criteria provided, single submitter. Criteria: ACMG Guidelines, 2015. Collection method: clinical testing. Allele origin: germline.

Baylor Genetics
Classification: Pathogenic for Polycystic kidney disease 4. Last evaluated: 2023-12-07. Review status: criteria provided, single submitter. Criteria: ACMG Guidelines, 2015. Collection method: clinical testing. Allele origin: unknown.

Women's Health and Genetics/Laboratory Corporation of America, LabCorp
Classification: Pathogenic for Autosomal recessive polycystic kidney disease. Last evaluated: 2023-06-12. Review status: criteria provided, single submitter. Criteria: LabCorp Variant Classification Summary - May 2015. Collection method: clinical testing. Allele origin: germline.
Comment: Variant summary: PKHD1 c.4882C>G (p.Pro1628Ala) results in a non-conservative amino acid change located in an IPT repeat domain (IPR002909) of the encoded protein sequence. Five of five in-silico tools predict a damaging effect of the variant on protein function. The variant allele was found at a frequency of 4e-06 in 251422 control chromosomes (gnomAD). c.4882C>G has been reported in the literature in multiple individuals affected with Polycystic Kidney and Hepatic Disease, and most of them reportedly carried a pathogenic variant in trans (e.g. Michel-Calemard_2009, Melchionda_2016, Vaisitti_2021). These data indicate that the variant is very likely to be associated with disease. To our knowledge, no experimental evidence demonstrating an impact on protein function has been reported. Three clinical diagnostic laboratories have submitted clinical-significance assessments for this variant to ClinVar after 2014, and classified the variant as pathogenic/likely pathogenic. Based on the evidence outlined above, the variant was classified as pathogenic.

Labcorp Genetics (formerly Invitae), Labcorp
Classification: Pathogenic for Autosomal recessive polycystic kidney disease. Last evaluated: 2023-05-15. Review status: criteria provided, single submitter. Criteria: Invitae Variant Classification Sherloc (09022015). Collection method: clinical testing. Allele origin: germline.
Comment: This missense change has been observed in individual(s) with polycystic kidney disease (PMID: 19021639, 27225849, 33226606). In at least one individual the data is consistent with being in trans (on the opposite chromosome) from a pathogenic variant. This variant is present in population databases (rs267601070, gnomAD 0.0009%). This sequence change replaces proline, which is neutral and non-polar, with alanine, which is neutral and non-polar, at codon 1628 of the PKHD1 protein (p.Pro1628Ala). ClinVar contains an entry for this variant (Variation ID: 371295). For these reasons, this variant has been classified as Pathogenic. Advanced modeling of protein sequence and biophysical properties (such as structural, functional, and spatial information, amino acid conservation, physicochemical variation, residue mobility, and thermodynamic stability) performed at Invitae indicates that this missense variant is expected to disrupt PKHD1 protein function.

Blueprint Genetics
Classification: Pathogenic for PKHD1-related disorders. Last evaluated: 2021-10-15. Review status: criteria provided, single submitter. Criteria: ACMG Guidelines, 2015. Collection method: clinical testing. Allele origin: germline. Affected: yes. Observed: 1 variant allele.

Mendelics
Classification: Pathogenic for Polycystic kidney disease 4. Last evaluated: 2019-05-28. Review status: criteria provided, single submitter. Criteria: Mendelics Assertion Criteria 2017. Collection method: clinical testing. Allele origin: unknown.

Counsyl
Classification: Likely pathogenic for Polycystic kidney disease 4. Last evaluated: 2016-08-23. Review status: no assertion criteria provided. Collection method: clinical testing. Allele origin: unknown. Not counted in ClinVar's aggregate classification.

Literature cited by the submitters: PubMed 27225849 (cited by 4 submitters); PubMed 33226606 (cited by Women's Health and Genetics/Laboratory Corporation of America, LabCorp and Labcorp Genetics (formerly Invitae), Labcorp); PubMed 19021639 (cited by 3 submitters).